The following is an entry in ClinVar:

NM_007186.6(CEP250):c.6307_6308del (p.Leu2103fs)

Gene: CEP250 (centrosomal protein 250; plus strand). Cytogenetic location: 20q11.22.
Variant type: Microsatellite.
Coding change: c.6307_6308del on transcript NM_007186.6 (MANE Select); coding-DNA positions 6307 to 6308, 2 bases deleted (CT; older notation c.6307_6308delCT).
Protein change: p.Leu2103fs; shifts the reading frame from leucine 2103.
Molecular consequence: frameshift variant.
Genome position (GRCh38, 1-based): chr20:35,504,676-35,504,677, CT deleted; deleting any 2 consecutive bases within chr20:35,504,674-35,504,677 gives the same sequence; the c. name uses the placement nearest the transcript's 3' end. VCF-style (leftmost placement, unchanged base first): chr20-35504673-ACT-A. GRCh37 (hg19) VCF-style: chr20-34092501-ACT-A.
Other names: c.4411_4412del, p.Leu1471fs (NM_001318219.1); short protein forms L1471fs, L2103fs.
Identifiers: ClinVar variation 2820475 (VCV002820475.4), dbSNP rs776950412, ClinGen allele CA9834037.

ClinVar aggregate classification (germline): Pathogenic/Likely pathogenic. Review status: criteria provided, multiple submitters, no conflicts (2 of 4 stars). 2 submissions from 2 submitters: Pathogenic (1); Likely pathogenic (1). Last evaluated 2024-07-06.

Conditions:
CEP250-related disorder. Also called: CEP250-related condition.

Submissions (2):

Labcorp Genetics (formerly Invitae), Labcorp
Classification: Pathogenic. Last evaluated: 2024-07-06. Review status: criteria provided, single submitter. Criteria: Invitae Variant Classification Sherloc (09022015). Collection method: clinical testing. Allele origin: germline.
Comment: This sequence change creates a premature translational stop signal (p.Leu2103Serfs*39) in the CEP250 gene. It is expected to result in an absent or disrupted protein product. Loss-of-function variants in CEP250 are known to be pathogenic (PMID: 24780881, 29718797). This variant is not present in population databases (gnomAD no frequency). This variant has not been reported in the literature in individuals affected with CEP250-related conditions. For these reasons, this variant has been classified as Pathogenic.

Blueprint Genetics
Classification: Likely pathogenic for CEP250-related disorders. Last evaluated: 2021-10-08. Review status: criteria provided, single submitter. Criteria: ACMG Guidelines, 2015. Collection method: clinical testing. Allele origin: germline. Affected: yes. Observed: 2 variant alleles.

Literature cited by the submitters: PubMed 24780881 (cited by Labcorp Genetics (formerly Invitae), Labcorp); PubMed 29718797 (cited by Labcorp Genetics (formerly Invitae), Labcorp).